The following is an entry in ClinVar:

NM_000352.6(ABCC8):c.3602C>G (p.Ser1201Ter)

Gene: ABCC8 (ATP binding cassette subfamily C member 8; minus strand). Cytogenetic location: 11p15.1.
Variant type: single nucleotide variant.
Coding change: c.3602C>G on transcript NM_000352.6 (MANE Select); coding-DNA position 3602, C replaced by G.
Protein change: p.Ser1201Ter; replaces serine 1201 with a stop codon.
Molecular consequence: nonsense. On other transcripts: non-coding transcript variant (1).
Genome position (GRCh38, 1-based): chr11:17,402,709, G>C on the plus strand (C>G on the coding strand, the complement: ABCC8 is on the minus strand). VCF-style: chr11-17402709-G-C. GRCh37 (hg19) VCF-style: chr11-17424256-G-C.
Other names: c.3605C>G, p.Ser1202Ter (NM_001287174.3); c.3668C>G, p.Ser1223Ter (NM_001351295.2); c.3602C>G, p.Ser1201Ter (NM_001351296.2); c.3599C>G, p.Ser1200Ter (NM_001351297.2); short protein forms S1200*, S1201*, S1202*, S1223*.
Identifiers: ClinVar variation 4818250 (VCV004818250.1).
Genomic context (GRCh38, chr11:17,402,709, plus strand): 5'-GTGGACTCGTACCTGAAGGCCCGGATGGTGGTGAGTCCTTCTACGGTTTCGGCAAAGTGT[G>C]AGAGAAGTGGAAGCTGGGTGGTGTCATCCAGCTGCTGCAGGTCCCTGTGGCGGGGAACAG-3'

ClinVar aggregate classification (germline): Likely pathogenic (1 of 4 stars; one submission).

Conditions:
Hereditary hyperinsulinism.

Submission:

Natera, Inc.
Classification: Likely pathogenic for Hereditary hyperinsulinism. Last evaluated: 2024-07-29. Review status: criteria provided, single submitter. Criteria: Natera Variant Classification Schema (03/2026). Collection method: clinical testing. Allele origin: germline.
Comment: The c.3602C>G variant in ABCC8 is a nonsense variant predicted to introduce a stop codon at amino acid 1201. This variant is expected to result in nonsense mediated decay, truncation, or a dysfunctional protein product. This variant is rare in the general population with a frequency below the threshold expected for the associated phenotype(s). Given the available evidence, this variant is classified as Likely Pathogenic.